The following is an entry in ClinVar:

ClinVar aggregate classification (germline): Uncertain significance. Review status: criteria provided, multiple submitters, no conflicts (2 of 4 stars). 2 submissions from 2 submitters: Uncertain significance (2). Last evaluated 2026-05-13.

Conditions:
Gorlin syndrome. Also called: Basal cell nevus syndrome; Nevoid Basal Cell Carcinoma Syndrome. Identifiers: Orphanet 377, MedGen C0004779, MONDO:0007187.
Hereditary cancer-predisposing syndrome. Also called: Tumor predisposition; Neoplastic Syndromes, Hereditary; Hereditary Cancer Syndrome; Hereditary neoplastic syndrome. Identifiers: Orphanet 140162, MedGen C0027672, MeSH D009386, MONDO:0015356.

Submissions (2):

Ambry Genetics
Classification: Uncertain significance for Hereditary cancer-predisposing syndrome. Last evaluated: 2026-05-13. Review status: criteria provided, single submitter. Criteria: Ambry Variant Classification Scheme 2023. Collection method: clinical testing. Allele origin: germline.
Comment: The c.2703+4C>T intronic variant results from a C to T substitution 4 nucleotides after coding exon 16 in the PTCH1 gene. This nucleotide position is not well conserved in available vertebrate species. In silico splice site analysis predicts that this alteration will not have any significant effect on splicing. Based on the available evidence, the clinical significance of this variant remains unclear.

Labcorp Genetics (formerly Invitae), Labcorp
Classification: Uncertain significance for Gorlin syndrome. Last evaluated: 2025-11-10. Review status: criteria provided, single submitter. Criteria: Invitae Variant Classification Sherloc (09022015). Collection method: clinical testing. Allele origin: germline.
Comment: This sequence change falls in intron 16 of the PTCH1 gene. It does not directly change the encoded amino acid sequence of the PTCH1 protein. It affects a nucleotide within the consensus splice site. This variant is not present in population databases (gnomAD no frequency). This variant has not been reported in the literature in individuals affected with PTCH1-related conditions. ClinVar contains an entry for this variant (Variation ID: 1478754). Variants that disrupt the consensus splice site are a relatively common cause of aberrant splicing (PMID: 17576681, 9536098). Algorithms developed to predict the effect of sequence changes on RNA splicing suggest that this variant is not likely to affect RNA splicing. In summary, the available evidence is currently insufficient to determine the role of this variant in disease. Therefore, it has been classified as a Variant of Uncertain Significance.

Literature cited by the submitters: PubMed 17576681 (cited by Labcorp Genetics (formerly Invitae), Labcorp); PubMed 9536098 (cited by Labcorp Genetics (formerly Invitae), Labcorp).

NM_000264.5(PTCH1):c.2703+4C>T

Gene: PTCH1 (patched 1; minus strand). Cytogenetic location: 9q22.32.
Variant type: single nucleotide variant.
Coding change: c.2703+4C>T on transcript NM_000264.5 (MANE Select); 4 bases into the intron after coding-DNA position 2703, C replaced by T.
Molecular consequence: intron variant.
Genome position (GRCh38, 1-based): chr9:95,461,852, G>A on the plus strand (C>T on the coding strand, the complement: PTCH1 is on the minus strand). VCF-style: chr9-95461852-G-A. GRCh37 (hg19) VCF-style: chr9-98224134-G-A.
Other names: c.2700+4C>T (NM_001083603.3); c.2505+4C>T (NM_001083602.3); c.2547+4C>T (NM_001354918.2); c.2250+4C>T (NM_001083605.3, NM_001083604.3, NM_001083606.3 and 1 more transcripts); c.2703+4C>T (NM_000264.3).
Identifiers: ClinVar variation 1478754 (VCV001478754.7), dbSNP rs1839501465, ClinGen allele CA1865612766.